The following is an entry in ClinVar:

ClinVar aggregate classification (germline): Likely benign. Review status: criteria provided, multiple submitters, no conflicts (2 of 4 stars). 2 submissions from 2 submitters: Likely benign (2). Last evaluated 2025-12-28.

Allele frequency attached by ClinVar (database versions not stated): gnomAD 0.00030 and 0.00031; 1000 Genomes Project 30x 0.00031; TOPMed 0.00031; 1000 Genomes Project 0.00040; gnomAD exomes 0.00040 and 0.00054; ExAC 0.00047; ESP Exome Variant Server 0.00050.
gnomAD v4.1: 818 of 1,606,090 alleles (0.051%); highest among the groups gnomAD compares: Non-Finnish European, 0.064%; no homozygotes.

Submissions (2):

Labcorp Genetics (formerly Invitae), Labcorp
Classification: Likely benign. Last evaluated: 2025-12-28. Review status: criteria provided, single submitter. Criteria: Invitae Variant Classification Sherloc (09022015). Collection method: clinical testing. Allele origin: germline.

Mayo Clinic Laboratories, Mayo Clinic
Classification: Likely benign. Last evaluated: 2025-07-15. Review status: criteria provided, single submitter. Criteria: ACMG Guidelines, 2015. Collection method: clinical testing. Allele origin: germline. Observed: 2 variant alleles.
Comment: BP4, BP7

NM_001080414.4(CCDC88C):c.5934G>A (p.Pro1978=)

Gene: CCDC88C (coiled-coil and HOOK domain protein 88C; minus strand). Cytogenetic location: 14q32.11.
Variant type: single nucleotide variant.
Coding change: c.5934G>A on transcript NM_001080414.4 (MANE Select); coding-DNA position 5934, G replaced by A.
Protein change: p.Pro1978=; no amino-acid change (proline 1978 retained).
Molecular consequence: synonymous variant.
Genome position (GRCh38, 1-based): chr14:91,272,778, C>T on the plus strand (G>A on the coding strand, the complement: CCDC88C is on the minus strand). VCF-style: chr14-91272778-C-T. GRCh37 (hg19) VCF-style: chr14-91739122-C-T.
Other names: p.Pro1978=.
Identifiers: ClinVar variation 743124 (VCV000743124.10), dbSNP rs200816634, ClinGen allele CA7308555.